The following is an entry in ClinVar:

ClinVar aggregate classification (germline): Uncertain significance (1 of 4 stars; one submission).

gnomAD v4.1: 2 of 1,614,040 alleles (0.00012%); highest among the groups gnomAD compares: East Asian, 0.0022%; no homozygotes.

Submission:

Labcorp Genetics (formerly Invitae), Labcorp
Classification: Uncertain significance. Last evaluated: 2024-11-26. Review status: criteria provided, single submitter. Criteria: Invitae Variant Classification Sherloc (09022015). Collection method: clinical testing. Allele origin: germline.
Comment: This sequence change replaces aspartic acid, which is acidic and polar, with tyrosine, which is neutral and polar, at codon 908 of the SETBP1 protein (p.Asp908Tyr). This variant is not present in population databases (gnomAD no frequency). This variant has not been reported in the literature in individuals affected with SETBP1-related conditions. Invitae Evidence Modeling of protein sequence and biophysical properties (such as structural, functional, and spatial information, amino acid conservation, physicochemical variation, residue mobility, and thermodynamic stability) indicates that this missense variant is not expected to disrupt SETBP1 protein function with a negative predictive value of 80%. In summary, the available evidence is currently insufficient to determine the role of this variant in disease. Therefore, it has been classified as a Variant of Uncertain Significance.

NM_015559.3(SETBP1):c.2722G>T (p.Asp908Tyr)

Gene: SETBP1 (SET binding protein 1; plus strand). Cytogenetic location: 18q12.3.
Variant type: single nucleotide variant.
Coding change: c.2722G>T on transcript NM_015559.3 (MANE Select); coding-DNA position 2722, G replaced by T.
Protein change: p.Asp908Tyr; replaces aspartic acid 908 with tyrosine.
Molecular consequence: missense variant.
Genome position (GRCh38, 1-based): chr18:44,952,062, G>T. VCF-style: chr18-44952062-G-T. GRCh37 (hg19) VCF-style: chr18-42532027-G-T.
Other names: c.2722G>T, p.Asp908Tyr (NM_001379141.1, NM_001379142.1, NM_001410862.1); short protein forms D908Y.
Identifiers: ClinVar variation 3690372 (VCV003690372.2).